The following is an entry in ClinVar:

NM_015922.3(NSDHL):c.806A>G (p.Asn269Ser)

Gene: NSDHL (NAD(P) dependent 3-beta-hydroxysteroid dehydrogenase NSDHL; plus strand). Cytogenetic location: Xq28.
Variant type: single nucleotide variant.
Coding change: c.806A>G on transcript NM_015922.3 (MANE Select); coding-DNA position 806, A replaced by G.
Protein change: p.Asn269Ser; replaces asparagine 269 with serine.
Molecular consequence: missense variant.
Genome position (GRCh38, 1-based): chrX:152,868,800, A>G. VCF-style: chrX-152868800-A-G. GRCh37 (hg19) VCF-style: chrX-152037344-A-G.
Other names: c.806A>G, p.Asn269Ser (NM_001129765.2); short protein forms N269S.
Identifiers: ClinVar variation 1304954 (VCV001304954.3), dbSNP rs2125017354, ClinGen allele CA415287070.

ClinVar aggregate classification (germline): Uncertain significance (1 of 4 stars; one submission).

Allele frequency attached by ClinVar (database versions not stated): gnomAD exomes below 0.00001.
gnomAD v4.1: 7 of 1,210,700 alleles (0.00058%); highest among the groups gnomAD compares: Non-Finnish European, 0.00056%; no homozygotes.

Submission:

GeneDx
Classification: Uncertain significance. Last evaluated: 2023-05-30. Review status: criteria provided, single submitter. Criteria: GeneDx Variant Classification Process June 2021. Collection method: clinical testing. Allele origin: germline. Affected: yes.
Comment: Not observed at significant frequency in large population cohorts (gnomAD); In silico analysis supports that this missense variant has a deleterious effect on protein structure/function; Has not been previously published as pathogenic or benign to our knowledge